The following is an entry in ClinVar:

NM_000260.4(MYO7A):c.1091del (p.Pro364fs)

Gene: MYO7A (myosin VIIA; plus strand). Cytogenetic location: 11q13.5.
Variant type: Deletion.
Coding change: c.1091del on transcript NM_000260.4 (MANE Select); coding-DNA position 1091, one base deleted (C; older notation c.1091delC).
Protein change: p.Pro364fs; shifts the reading frame from proline 364.
Molecular consequence: frameshift variant.
Genome position (GRCh38, 1-based): chr11:77,160,173, C deleted; the last of 6 consecutive C bases (chr11:77,160,168-77,160,173); deleting any one gives the same sequence. VCF-style (leftmost placement, unchanged base first): chr11-77160167-AC-A. GRCh37 (hg19) VCF-style: chr11-76871213-AC-A.
Other names: c.1091del, p.Pro364fs (NM_001127180.2); c.1058del, p.Pro353fs (NM_001369365.1); short protein forms P353fs, P364fs.
Identifiers: ClinVar variation 2877105 (VCV002877105.3), dbSNP rs1952854443, ClinGen allele CA475793124.

ClinVar aggregate classification (germline): Pathogenic (1 of 4 stars; one submission).

Submission:

Labcorp Genetics (formerly Invitae), Labcorp
Classification: Pathogenic. Last evaluated: 2025-07-22. Review status: criteria provided, single submitter. Criteria: Invitae Variant Classification Sherloc (09022015). Collection method: clinical testing. Allele origin: germline.
Comment: This sequence change creates a premature translational stop signal (p.Pro364Glnfs*3) in the MYO7A gene. It is expected to result in an absent or disrupted protein product. Loss-of-function variants in MYO7A are known to be pathogenic (PMID: 8900236, 25404053). This variant is not present in population databases (gnomAD no frequency). This variant has not been reported in the literature in individuals affected with MYO7A-related conditions. ClinVar contains an entry for this variant (Variation ID: 2877105). For these reasons, this variant has been classified as Pathogenic.

Literature cited by the submitters: PubMed 8900236; PubMed 25404053.